The following is an entry in ClinVar:

NM_001035.3(RYR2):c.14656-105G>A

Gene: RYR2 (ryanodine receptor 2; plus strand). Cytogenetic location: 1q43.
Variant type: single nucleotide variant.
Coding change: c.14656-105G>A on transcript NM_001035.3 (MANE Select); 105 bases into the intron before coding-DNA position 14656, G replaced by A.
Molecular consequence: intron variant.
Genome position (GRCh38, 1-based): chr1:237,830,425, G>A. VCF-style: chr1-237830425-G-A. GRCh37 (hg19) VCF-style: chr1-237993725-G-A.
Identifiers: ClinVar variation 675755 (VCV000675755.2), dbSNP rs112680829, ClinGen allele CA39833943.

ClinVar aggregate classification (germline): Likely benign. Review status: criteria provided, multiple submitters, no conflicts (2 of 4 stars). 2 submissions from 2 submitters: Likely benign (2). Last evaluated 2018-06-14.

Allele frequency attached by ClinVar (database versions not stated): gnomAD exomes 0.00131; gnomAD 0.00986 and 0.01047; TOPMed 0.01054; 1000 Genomes Project 30x 0.01202; 1000 Genomes Project 0.01238.
gnomAD v4.1: 2,301 of 737,776 alleles (0.31%); highest among the groups gnomAD compares: African/African-American, 3.4%; 40 homozygotes.

Submissions (2):

GeneDx
Classification: Likely benign. Last evaluated: 2018-06-14. Review status: criteria provided, single submitter. Criteria: GeneDx Variant Classification (06012015). Collection method: clinical testing. Allele origin: germline. Affected: yes.
Comment: This variant is considered likely benign or benign based on one or more of the following criteria: it is a conservative change, it occurs at a poorly conserved position in the protein, it is predicted to be benign by multiple in silico algorithms, and/or has population frequency not consistent with disease.

Breakthrough Genomics
Classification: Likely benign. Review status: criteria provided, single submitter. Criteria: ACMG Guidelines, 2015. Collection method: not provided. Allele origin: germline. Inheritance: Autosomal dominant inheritance. Affected: yes.